The following is an entry in ClinVar:

NM_001277115.2(DNAH11):c.3304T>C (p.Phe1102Leu)

Genes: DNAH11 (dynein axonemal heavy chain 11; plus strand), LOC126859961 (BRD4-independent group 4 enhancer GRCh37_chr7:21639662-21640861; plus strand). Cytogenetic location: 7p15.3.
Variant type: single nucleotide variant.
Coding change: c.3304T>C on transcript NM_001277115.2 (MANE Select); coding-DNA position 3304, T replaced by C.
Protein change: p.Phe1102Leu; replaces phenylalanine 1102 with leucine.
Molecular consequence: missense variant.
Genome position (GRCh38, 1-based): chr7:21,601,058, T>C. VCF-style: chr7-21601058-T-C. GRCh37 (hg19) VCF-style: chr7-21640676-T-C.
Other names: short protein forms F1102L.
Identifiers: ClinVar variation 5035438 (VCV005035438.1).

ClinVar aggregate classification (germline): Uncertain significance (1 of 4 stars; one submission).

Conditions:
Primary ciliary dyskinesia. Also called: Ciliary dyskinesia. Identifiers: Orphanet 244, MedGen C0008780, MONDO:0016575, HP:0012265.

Submission:

Ambry Genetics
Classification: Uncertain significance for Primary ciliary dyskinesia. Last evaluated: 2026-07-26. Review status: criteria provided, single submitter. Criteria: Ambry Variant Classification Scheme 2023. Collection method: clinical testing. Allele origin: germline.
Comment: The p.F1102L variant (also known as c.3304T>C), located in coding exon 17 of the DNAH11 gene, results from a T to C substitution at nucleotide position 3304. The phenylalanine at codon 1102 is replaced by leucine, an amino acid with highly similar properties. This amino acid position is conserved. In addition, this alteration is predicted to be tolerated by in silico analysis. Based on the available evidence, the clinical significance of this variant remains unclear.